The following is an entry in ClinVar:

NM_020971.3(SPTBN4):c.5676G>A (p.Arg1892=)

Gene: SPTBN4 (spectrin beta, non-erythrocytic 4; plus strand). Cytogenetic location: 19q13.2.
Variant type: single nucleotide variant.
Coding change: c.5676G>A on transcript NM_020971.3 (MANE Select); coding-DNA position 5676, G replaced by A.
Protein change: p.Arg1892=; no amino-acid change (arginine 1892 retained).
Molecular consequence: synonymous variant.
Genome position (GRCh38, 1-based): chr19:40,560,164, G>A. VCF-style: chr19-40560164-G-A. GRCh37 (hg19) VCF-style: chr19-41066070-G-A.
Other names: c.1704G>A, p.Arg568= (NM_025213.3).
Identifiers: ClinVar variation 3047128 (VCV003047128.2), dbSNP rs1480124801, ClinGen allele CA507683221.
Genomic context (GRCh38, chr19:40,560,164, plus strand): 5'-AGGGCACAGCCTGGGCCCCGTGGAGGGCTGGCGCCCGACCTGGCATGCCCTTCAGGTACG[G>A]CAGCTGCAGGAGGGGGCGGCCCAGCTGCGGACGGTGTATGCGGGTGAACATGCCGAGGCC-3'
Protein context (NP_066022.2, residues 1882-1902): HDLQLLVSQV[Arg1892=]QLQEGAAQLR

ClinVar aggregate classification (germline): Likely benign (0 of 4 stars; one submission).

Conditions:
SPTBN4-related disorder. Also called: SPTBN4-related condition.

Allele frequency attached by ClinVar (database versions not stated): TOPMed below 0.00001; gnomAD exomes 0.00001.
gnomAD v4.1: 8 of 1,594,778 alleles (0.0005%); highest among the groups gnomAD compares: Admixed American, 0.012%; no homozygotes.

Submission:

PreventionGenetics, part of Exact Sciences
Classification: Likely benign for SPTBN4-related condition. Last evaluated: 2021-09-13. Review status: no assertion criteria provided. Collection method: clinical testing. Allele origin: germline.
Comment: This variant is classified as likely benign based on ACMG/AMP sequence variant interpretation guidelines (Richards et al. 2015 PMID: 25741868, with internal and published modifications).